The following is an entry in ClinVar:

NM_001267550.2(TTN):c.66123A>G (p.Pro22041=)

Genes: TTN (titin; minus strand), TTN-AS1 (TTN antisense RNA 1; plus strand). Cytogenetic location: 2q31.2.
Variant type: single nucleotide variant.
Coding change: c.66123A>G on transcript NM_001267550.2 (MANE Select); coding-DNA position 66123, A replaced by G.
Protein change: p.Pro22041=; no amino-acid change (proline 22041 retained).
Molecular consequence: synonymous variant.
Genome position (GRCh38, 1-based): chr2:178,582,333, T>C on the plus strand (A>G on the coding strand, the complement: TTN is on the minus strand). VCF-style: chr2-178582333-T-C. GRCh37 (hg19) VCF-style: chr2-179447060-T-C.
Other names: c.61200A>G, p.Pro20400= (NM_001256850.1); c.38928A>G, p.Pro12976= (NM_003319.4); c.58419A>G, p.Pro19473= (NM_133378.4); c.39303A>G, p.Pro13101= (NM_133432.3); c.39504A>G, p.Pro13168= (NM_133437.4).
Identifiers: ClinVar variation 167775 (VCV000167775.42), dbSNP rs727504190, ClinGen allele CA235090.
Genomic context (GRCh38, chr2:178,582,333, plus strand): 5'-AAACCACCGGGAAATGTTCCTACCATATGGGTTTTTGGCAATTGCTGGTTCAGTGAAGAC[T>C]GGATCGCCTACTCCATATTTATTTTCAGCACAAATACGGAACTGATACTCATGGCCCTCT-3'
Protein context (NP_001254479.2, residues 22031-22051): CAENKYGVGD[Pro22041=]VFTEPAIAKN

ClinVar aggregate classification (germline): Conflicting classifications of pathogenicity. Review status: criteria provided, conflicting classifications (1 of 4 stars). 6 submissions from 6 submitters: Uncertain significance (1); Benign (1); Likely benign (4). Last evaluated 2026-01-20.

Conditions:
TTN-related disorder. Also called: TTN-related disorders; TTN-related condition; TTN-related disease.
Cardiovascular phenotype. Identifiers: MedGen CN230736.
Dilated cardiomyopathy 1G (CMD1G). Identifiers: Orphanet 154, MedGen C1858763, MONDO:0011400, OMIM 604145.
Autosomal recessive limb-girdle muscular dystrophy type 2J (LGMDR10). Also called: Limb-girdle muscular dystrophy, type 2J; MUSCULAR DYSTROPHY, LIMB-GIRDLE, AUTOSOMAL RECESSIVE 10. Identifiers: Orphanet 140922, MedGen C1837342, MONDO:0012127, OMIM 608807.

Allele frequency attached by ClinVar (database versions not stated): ExAC 0.00006; TOPMed 0.00008; gnomAD 0.00010 and 0.00011.
gnomAD v4.1: 157 of 1,603,050 alleles (0.0098%); highest among the groups gnomAD compares: Non-Finnish European, 0.012%; no homozygotes.

Submissions (6):

Labcorp Genetics (formerly Invitae), Labcorp
Classification: Likely benign for Dilated cardiomyopathy 1G; Autosomal recessive limb-girdle muscular dystrophy type 2J. Last evaluated: 2026-01-20. Review status: criteria provided, single submitter. Criteria: Invitae Variant Classification Sherloc (09022015). Collection method: clinical testing. Allele origin: germline.

PreventionGenetics, part of Exact Sciences
Classification: Likely benign for TTN-related condition. Last evaluated: 2025-10-13. Review status: criteria provided, single submitter. Criteria: ACMG Guidelines, 2015. Collection method: clinical testing. Allele origin: germline.
Comment: This variant is classified as likely benign based on ACMG/AMP sequence variant interpretation guidelines (Richards et al. 2015 PMID: 25741868, with internal and published modifications).

CeGaT Center for Human Genetics Tuebingen
Classification: Likely benign. Last evaluated: 2024-11-01. Review status: criteria provided, single submitter. Criteria: CeGaT Center For Human Genetics Tuebingen Variant Classification Criteria Version 2. Collection method: clinical testing. Allele origin: germline. Affected: yes. Observed: 2 variant alleles.
Comment: TTN: BP4, BP7

Ambry Genetics
Classification: Likely benign for Cardiovascular phenotype. Last evaluated: 2020-06-29. Review status: criteria provided, single submitter. Criteria: Ambry Variant Classification Scheme 2023. Collection method: clinical testing. Allele origin: germline.

GeneDx
Classification: Benign. Last evaluated: 2016-10-12. Review status: criteria provided, single submitter. Criteria: GeneDx Variant Classification (06012015). Collection method: clinical testing. Allele origin: germline. Affected: yes.
Comment: This variant is considered likely benign or benign based on one or more of the following criteria: it is a conservative change, it occurs at a poorly conserved position in the protein, it is predicted to be benign by multiple in silico algorithms, and/or has population frequency not consistent with disease.

Eurofins Ntd Llc (ga)
Classification: Uncertain significance. Last evaluated: 2016-03-18. Review status: criteria provided, single submitter. Criteria: EGL Classification Definitions 2015. Collection method: clinical testing. Allele origin: germline. Observed: 3 variant alleles, 3 heterozygotes.